The following is an entry in ClinVar:

NM_001371623.1(TCOF1):c.1923C>T (p.Thr641=)

Gene: TCOF1 (treacle ribosome biogenesis factor 1; plus strand). Cytogenetic location: 5q32.
Variant type: single nucleotide variant.
Coding change: c.1923C>T on transcript NM_001371623.1 (MANE Select); coding-DNA position 1923, C replaced by T.
Protein change: p.Thr641=; no amino-acid change (threonine 641 retained).
Molecular consequence: synonymous variant.
Genome position (GRCh38, 1-based): chr5:150,376,111, C>T. VCF-style: chr5-150376111-C-T. GRCh37 (hg19) VCF-style: chr5-149755674-C-T.
Other names: c.1692C>T, p.Thr564= (NM_000356.4, NM_001135245.2); c.1923C>T, p.Thr641= (NM_001008657.3, NM_001135243.2, NM_001135244.2 and 1 more transcripts).
Identifiers: ClinVar variation 718438 (VCV000718438.7), dbSNP rs781033363, ClinGen allele CA3511055.

ClinVar aggregate classification (germline): Likely benign. Review status: criteria provided, single submitter (1 of 4 stars). 2 submissions from 2 submitters: Likely benign (1). 1 of the submissions does not count toward it. Last evaluated 2024-12-02.

Conditions:
TCOF1-related disorder. Also called: TCOF1-related condition.
Treacher Collins syndrome 1 (TCS1). Also called: TCOF1-Related Treacher Collins Syndrome. Identifiers: Orphanet 861, MedGen CN315775, MONDO:0007944, OMIM 154500.

Allele frequency attached by ClinVar (database versions not stated): ExAC 0.00001; gnomAD exomes 0.00001; gnomAD 0.00002; TOPMed 0.00002.
gnomAD v4.1: 37 of 1,614,110 alleles (0.0023%); highest among the groups gnomAD compares: Admixed American, 0.0033%; no homozygotes.

Submissions (2):

Labcorp Genetics (formerly Invitae), Labcorp
Classification: Likely benign for Treacher Collins syndrome 1. Last evaluated: 2024-12-02. Review status: criteria provided, single submitter. Criteria: Invitae Variant Classification Sherloc (09022015). Collection method: clinical testing. Allele origin: germline.

PreventionGenetics, part of Exact Sciences
Classification: Likely benign for TCOF1-related condition. Last evaluated: 2023-03-06. Review status: no assertion criteria provided. Collection method: clinical testing. Allele origin: germline. Not counted in ClinVar's aggregate classification.
Comment: This variant is classified as likely benign based on ACMG/AMP sequence variant interpretation guidelines (Richards et al. 2015 PMID: 25741868, with internal and published modifications).